The following is an entry in ClinVar:

ClinVar aggregate classification (germline): Uncertain significance. Review status: criteria provided, multiple submitters, no conflicts (2 of 4 stars). 2 submissions from 2 submitters: Uncertain significance (2). Last evaluated 2025-09-29.

Conditions:
Inborn genetic diseases. Identifiers: MedGen C0950123, MeSH D030342.

Allele frequency attached by ClinVar (database versions not stated): TOPMed 0.00002; gnomAD 0.00003 and 0.00004.
gnomAD v4.1: 25 of 1,612,168 alleles (0.0016%); highest among the groups gnomAD compares: African/African-American, 0.0053%; no homozygotes.

Submissions (2):

Labcorp Genetics (formerly Invitae), Labcorp
Classification: Uncertain significance. Last evaluated: 2025-09-29. Review status: criteria provided, single submitter. Criteria: Invitae Variant Classification Sherloc (09022015). Collection method: clinical testing. Allele origin: germline.
Comment: This sequence change replaces arginine, which is basic and polar, with proline, which is neutral and non-polar, at codon 1200 of the HSPG2 protein (p.Arg1200Pro). This variant is present in population databases (rs759109711, gnomAD 0.004%). This variant has not been reported in the literature in individuals affected with HSPG2-related conditions. ClinVar contains an entry for this variant (Variation ID: 1412563). An algorithm developed to predict the effect of missense changes on protein structure and function (PolyPhen-2) suggests that this variant is likely to be disruptive. In summary, the available evidence is currently insufficient to determine the role of this variant in disease. Therefore, it has been classified as a Variant of Uncertain Significance.

Ambry Genetics
Classification: Uncertain significance for Inborn genetic diseases. Last evaluated: 2025-05-05. Review status: criteria provided, single submitter. Criteria: Ambry Variant Classification Scheme 2023. Collection method: clinical testing. Allele origin: germline.

NM_005529.7(HSPG2):c.3599G>C (p.Arg1200Pro)

Gene: HSPG2 (heparan sulfate proteoglycan 2; minus strand). Cytogenetic location: 1p36.12.
Variant type: single nucleotide variant.
Coding change: c.3599G>C on transcript NM_005529.7 (MANE Select); coding-DNA position 3599, G replaced by C.
Protein change: p.Arg1200Pro; replaces arginine 1200 with proline.
Molecular consequence: missense variant.
Genome position (GRCh38, 1-based): chr1:21,874,463, C>G on the plus strand (G>C on the coding strand, the complement: HSPG2 is on the minus strand). VCF-style: chr1-21874463-C-G. GRCh37 (hg19) VCF-style: chr1-22200956-C-G.
Other names: c.3599G>C (NM_005529.5); c.3602G>C, p.Arg1201Pro (NM_001291860.2); short protein forms R1200P, R1201P.
Identifiers: ClinVar variation 1412563 (VCV001412563.9), dbSNP rs759109711, ClinGen allele CA672593.